The following is an entry in ClinVar:

NM_004456.5(EZH2):c.1363A>G (p.Asn455Asp)

Gene: EZH2 (enhancer of zeste 2 polycomb repressive complex 2 subunit; minus strand). Cytogenetic location: 7q36.1.
Variant type: single nucleotide variant.
Coding change: c.1363A>G on transcript NM_004456.5 (MANE Select); coding-DNA position 1363, A replaced by G.
Protein change: p.Asn455Asp; replaces asparagine 455 with aspartic acid.
Molecular consequence: missense variant.
Genome position (GRCh38, 1-based): chr7:148,817,269, T>C on the plus strand (A>G on the coding strand, the complement: EZH2 is on the minus strand). VCF-style: chr7-148817269-T-C. GRCh37 (hg19) VCF-style: chr7-148514361-T-C.
Other names: c.1348A>G, p.Asn450Asp (NM_001203247.2); c.1321A>G, p.Asn441Asp (NM_001203248.2, NM_001203249.2); c.1231A>G, p.Asn411Asp (NM_152998.3); short protein forms N455D, N441D, N450D, N411D.
Identifiers: ClinVar variation 431864 (VCV000431864.2), dbSNP rs1554489250, ClinGen allele CA369714985.
Genomic context (GRCh38, chr7:148,817,269, plus strand): 5'-TCGGATATCTTACCTGTCTACATGTTTTGGTCCCAATTAACCTAGCAATGGCACAGAAAT[T>C]GTCATAGTAAGTGCCAATGAGGACTCTAAACATTGAGGCTTCAGCACCACTCCACTCCAC-3'
Protein context (NP_004447.2, residues 445-465): FRVLIGTYYD[Asn455Asp]FCAIARLIGT

ClinVar aggregate classification (germline): Uncertain significance (1 of 4 stars; one submission).

Submission:

GeneDx
Classification: Uncertain significance. Last evaluated: 2015-06-01. Review status: criteria provided, single submitter. Criteria: GeneDx Variant Classification (06012015). Collection method: clinical testing. Allele origin: germline. Affected: yes.
Comment: The N455D variant in the EZH2 gene has not been published as a pathogenic variant, nor has it been reported as a benign polymorphism to our knowledge. The N455D variant was not observed in approximately 6,500 individuals of European and African American ancestry in the NHLBI Exome Sequencing Project, indicating it is not a common benign variant in these populations. The N455D variant is a semi-conservative amino acid substitution, which may impact secondary protein structure as these residues differ in some properties. This substitution occurs at a position that is conserved across species. In silico analysis is inconsistent in its predictions as to whether or not the variant is damaging to the protein structure/function. We interpret N455D as a variant of unknown significance.